The following is an entry in ClinVar:

ClinVar aggregate classification (germline): Uncertain significance (1 of 4 stars; one submission).

Conditions:
Lipoic acid synthetase deficiency. Also called: HYPERGLYCINEMIA, LACTIC ACIDOSIS, AND SEIZURES. Identifiers: Orphanet 401859, MedGen C3280887, MONDO:0013762, OMIM 614462.

Submission:

Labcorp Genetics (formerly Invitae), Labcorp
Classification: Uncertain significance for Lipoic acid synthetase deficiency. Last evaluated: 2023-11-27. Review status: criteria provided, single submitter. Criteria: Invitae Variant Classification Sherloc (09022015). Collection method: clinical testing. Allele origin: germline.
Comment: This sequence change falls in intron 4 of the LIAS gene. It does not directly change the encoded amino acid sequence of the LIAS protein. It affects a nucleotide within the consensus splice site. This variant is not present in population databases (gnomAD no frequency). This variant has not been reported in the literature in individuals affected with LIAS-related conditions. ClinVar contains an entry for this variant (Variation ID: 1414159). Variants that disrupt the consensus splice site are a relatively common cause of aberrant splicing (PMID: 17576681, 9536098). Algorithms developed to predict the effect of sequence changes on RNA splicing suggest that this variant is not likely to affect RNA splicing. In summary, the available evidence is currently insufficient to determine the role of this variant in disease. Therefore, it has been classified as a Variant of Uncertain Significance.

Literature cited by the submitters: PubMed 17576681; PubMed 9536098.

NM_006859.4(LIAS):c.393+6G>T

Gene: LIAS (lipoic acid synthetase; plus strand). Cytogenetic location: 4p14.
Variant type: single nucleotide variant.
Coding change: c.393+6G>T on transcript NM_006859.4 (MANE Select); 6 bases into the intron after coding-DNA position 393, G replaced by T.
Molecular consequence: intron variant. On other transcripts: synonymous variant (1), 3 prime UTR variant (1).
Genome position (GRCh38, 1-based): chr4:39,463,611, G>T. VCF-style: chr4-39463611-G-T. GRCh37 (hg19) VCF-style: chr4-39465231-G-T.
Other names: c.399G>T, p.Gly133= (NM_001278591.2); c.*2G>T (NM_001278592.2); c.393+6G>T (NM_194451.3, NM_001278590.2); c.299+6G>T (NM_001363700.2).
Identifiers: ClinVar variation 1414159 (VCV001414159.6), dbSNP rs2109873076, ClinGen allele CA2573137704.